The following is an entry in ClinVar:

NM_001329630.2(PLEKHA7):c.2077G>A (p.Val693Ile)

Genes: PLEKHA7 (pleckstrin homology domain containing A7; minus strand), LOC126861150 (BRD4-independent group 4 enhancer GRCh37_chr11:16823697-16824896; plus strand). Cytogenetic location: 11p15.2.
Variant type: single nucleotide variant.
Coding change: c.2077G>A on transcript NM_001329630.2 (MANE Select); coding-DNA position 2077, G replaced by A.
Protein change: p.Val693Ile; replaces valine 693 with isoleucine.
Molecular consequence: missense variant.
Genome position (GRCh38, 1-based): chr11:16,803,052, C>T on the plus strand (G>A on the coding strand, the complement: PLEKHA7 is on the minus strand). VCF-style: chr11-16803052-C-T. GRCh37 (hg19) VCF-style: chr11-16824599-C-T.
Other names: c.2077G>A, p.Val693Ile (NM_001329631.2, NM_175058.5); short protein forms V693I.
Identifiers: ClinVar variation 781956 (VCV000781956.30), dbSNP rs34556458, ClinGen allele CA5899211.

ClinVar aggregate classification (germline): Likely benign. Review status: criteria provided, multiple submitters, no conflicts (2 of 4 stars). 4 submissions from 4 submitters: Likely benign (4). Last evaluated 2025-08-18.

Allele frequency attached by ClinVar (database versions not stated): ESP Exome Variant Server 0.00570; gnomAD 0.00606 and 0.00623; 1000 Genomes Project 0.00619; 1000 Genomes Project 30x 0.00640; ExAC 0.00681; gnomAD exomes 0.00686 and 0.00709; TOPMed 0.00766.
gnomAD v4.1: 11,454 of 1,613,910 alleles (0.71%); highest among the groups gnomAD compares: Middle Eastern, 1.5%; 62 homozygotes.

Submissions (4):

Genomic Medicine Center of Excellence, King Faisal Specialist Hospital and Research Centre
Classification: Likely benign. Last evaluated: 2025-08-18. Review status: criteria provided, single submitter. Criteria: ACMG Guidelines, 2015. Collection method: clinical testing. Allele origin: germline.

CeGaT Center for Human Genetics Tuebingen
Classification: Likely benign. Last evaluated: 2023-03-01. Review status: criteria provided, single submitter. Criteria: CeGaT Center For Human Genetics Tuebingen Variant Classification Criteria Version 2. Collection method: clinical testing. Allele origin: germline. Affected: yes. Observed: 1 variant allele.
Comment: PLEKHA7: BS2

Labcorp Genetics (formerly Invitae), Labcorp
Classification: Likely benign. Last evaluated: 2019-12-31. Review status: criteria provided, single submitter. Criteria: Invitae Variant Classification Sherloc (09022015). Collection method: clinical testing. Allele origin: germline.

Breakthrough Genomics
Classification: Likely benign. Review status: criteria provided, single submitter. Criteria: ACMG Guidelines, 2015. Collection method: not provided. Allele origin: germline. Inheritance: Unknown mechanism. Affected: yes.